The following is an entry in ClinVar:

ClinVar aggregate classification (germline): Pathogenic/Likely pathogenic. Review status: criteria provided, multiple submitters, no conflicts (2 of 4 stars). 2 submissions from 2 submitters: Pathogenic (1); Likely pathogenic (1). Last evaluated 2024-10-07.

Conditions:
Charcot-Marie-Tooth disease type 4. Also called: Charcot-Marie-Tooth disease, type IV; Charcot-Marie-Tooth, Type 4. Identifiers: Orphanet 64749, MedGen C4082197, MONDO:0018995.

Allele frequency attached by ClinVar (database versions not stated): gnomAD 0.00001; TOPMed 0.00001.

Submissions (2):

Labcorp Genetics (formerly Invitae), Labcorp
Classification: Pathogenic for Charcot-Marie-Tooth disease type 4. Last evaluated: 2024-10-07. Review status: criteria provided, single submitter. Criteria: Invitae Variant Classification Sherloc (09022015). Collection method: clinical testing. Allele origin: germline.
Comment: This sequence change creates a premature translational stop signal (p.Ser455Phefs*14) in the MTMR2 gene. It is expected to result in an absent or disrupted protein product. Loss-of-function variants in MTMR2 are known to be pathogenic (PMID: 10802647). This variant is not present in population databases (gnomAD no frequency). This variant has not been reported in the literature in individuals affected with MTMR2-related conditions. ClinVar contains an entry for this variant (Variation ID: 944156). For these reasons, this variant has been classified as Pathogenic.

GeneDx
Classification: Likely pathogenic. Last evaluated: 2024-09-09. Review status: criteria provided, single submitter. Criteria: GeneDx Variant Classification Process June 2021. Collection method: clinical testing. Allele origin: germline. Affected: yes.
Comment: Frameshift variant predicted to result in protein truncation or nonsense mediated decay in a gene for which loss of function is a known mechanism of disease; Not observed at significant frequency in large population cohorts (gnomAD); Has not been previously published as pathogenic or benign to our knowledge

Literature cited by the submitters: PubMed 10802647 (cited by Labcorp Genetics (formerly Invitae), Labcorp).

NM_016156.6(MTMR2):c.1362_1363del (p.Ser455fs)

Gene: MTMR2 (myotubularin related protein 2; minus strand). Cytogenetic location: 11q21.
Variant type: Deletion.
Coding change: c.1362_1363del on transcript NM_016156.6 (MANE Select); coding-DNA positions 1362 to 1363, 2 bases deleted (AA; older notation c.1362_1363delAA).
Protein change: p.Ser455fs; shifts the reading frame from serine 455.
Molecular consequence: frameshift variant.
Genome position (GRCh38, 1-based): chr11:95,844,976-95,844,977, TT deleted on the plus strand (AA on the coding strand, the reverse complement: MTMR2 is on the minus strand). VCF-style (leftmost placement, unchanged base first): chr11-95844975-CTT-C. GRCh37 (hg19) VCF-style: chr11-95578139-CTT-C.
Other names: c.1146_1147del, p.Ser383fs (NM_001243571.2, NM_201278.3, NM_201281.3); short protein forms S383fs, S455fs.
Identifiers: ClinVar variation 944156 (VCV000944156.8), dbSNP rs1177373744, ClinGen allele CA682195796.